The following is an entry in ClinVar:

NM_198488.5(FAM83H):c.1070_1091del (p.Glu357fs)

Gene: FAM83H (family with sequence similarity 83 member H; minus strand). Cytogenetic location: 8q24.3.
Variant type: Deletion.
Coding change: c.1070_1091del on transcript NM_198488.5 (MANE Select); coding-DNA positions 1070 to 1091, 22 bases deleted (AGGAGCCGCCGCGGATGCCGGG).
Protein change: p.Glu357fs; shifts the reading frame from glutamic acid 357.
Molecular consequence: frameshift variant.
Genome position (GRCh38, 1-based): chr8:143,728,370-143,728,391, CCCGGCATCCGCGGCGGCTCCT deleted on the plus strand (AGGAGCCGCCGCGGATGCCGGG on the coding strand, the reverse complement: FAM83H is on the minus strand); deleting any 22 consecutive bases within chr8:143,728,370-143,728,397 gives the same sequence; the c. name uses the placement nearest the transcript's 3' end. VCF-style (leftmost placement, unchanged base first): chr8-143728369-CCCCGGCATCCGCGGCGGCTCCT-C. GRCh37 (hg19) VCF-style: chr8-144810539-CCCCGGCATCCGCGGCGGCTCCT-C.
Other names: short protein forms E357fs.
Identifiers: ClinVar variation 3348616 (VCV003348616.1).

ClinVar aggregate classification (germline): Likely pathogenic (0 of 4 stars; one submission).

Conditions:
FAM83H-related disorder. Also called: FAM83H-related condition.

Submission:

PreventionGenetics, part of Exact Sciences
Classification: Likely pathogenic for FAM83H-related condition. Last evaluated: 2024-04-17. Review status: no assertion criteria provided. Collection method: clinical testing. Allele origin: germline.
Comment: The FAM83H c.1070_1091del22 variant is predicted to result in a frameshift and premature protein termination (p.Glu357Glyfs*181). To our knowledge, this variant has not been reported in the literature or in a large population database, indicating this variant is rare. Frameshift variants in FAM83H are expected to be pathogenic. This variant is interpreted as likely pathogenic.